The following is an entry in ClinVar:

ClinVar aggregate classification (germline): Pathogenic/Likely pathogenic. Review status: criteria provided, multiple submitters, no conflicts (2 of 4 stars). 3 submissions from 3 submitters: Pathogenic (1); Likely pathogenic (2). Last evaluated 2024-12-03.

Conditions:
Arthrogryposis multiplex congenita 6. Identifiers: MedGen C5543431, MONDO:0030281, OMIM 619334.

Allele frequency attached by ClinVar (database versions not stated): gnomAD exomes below 0.00001.
gnomAD v4.1: 3 of 946,706 alleles (0.00032%); highest among the groups gnomAD compares: African/African-American, 0.0023%; no homozygotes.

Submissions (3):

Dasa
Classification: Pathogenic. Last evaluated: 2024-12-03. Review status: criteria provided, single submitter. Criteria: DASA Assertion Criteria. Collection method: clinical testing. Allele origin: germline.
Comment: NM_001164508.2(NEB):c.16273C>T (p.Gln5425*) introduces a premature termination codon predicted to result in loss of normal protein function. Loss-of-function is an established mechanism of disease for this gene. This variant has been observed in affected individuals with related phenotype in a genotype context consistent with recessive disease. The variant is present at low frequency in population datasets. Based on the available data, this variant is classified as pathogenic.

Baylor Genetics
Classification: Likely pathogenic for Arthrogryposis multiplex congenita 6. Last evaluated: 2024-03-30. Review status: criteria provided, single submitter. Criteria: ACMG Guidelines, 2015. Collection method: clinical testing. Allele origin: unknown.

GeneDx
Classification: Likely pathogenic. Last evaluated: 2017-02-13. Review status: criteria provided, single submitter. Criteria: GeneDx Variant Classification (06012015). Collection method: clinical testing. Allele origin: germline. Affected: yes.
Comment: The Q5425X variant in the NEB gene has not been reported previously as a pathogenic variant nor as a benign variant, to our knowledge. This variant is predicted to cause loss of normal protein function either through protein truncation or nonsense-mediated mRNA decay. The Q5425X variant is not observed in large population cohorts (Lek et al., 2016; 1000 Genomes Consortium et al., 2015; Exome Variant Server). The Q5425X variant is a strong candidate for a pathogenic variant, however the possibility it may be a rare benign variant cannot be excluded.

NM_001164508.2(NEB):c.16273C>T (p.Gln5425Ter)

Gene: NEB (nebulin; minus strand). Cytogenetic location: 2q23.3.
Variant type: single nucleotide variant.
Coding change: c.16273C>T on transcript NM_001164508.2 (MANE Select); coding-DNA position 16273, C replaced by T.
Protein change: p.Gln5425Ter; replaces glutamine 5425 with a stop codon.
Molecular consequence: nonsense. On other transcripts: intron variant (1).
Genome position (GRCh38, 1-based): chr2:151,581,494, G>A on the plus strand (C>T on the coding strand, the complement: NEB is on the minus strand). VCF-style: chr2-151581494-G-A. GRCh37 (hg19) VCF-style: chr2-152438008-G-A.
Other names: c.16273C>T, p.Gln5425Ter (NM_001164507.2, NM_001271208.2); c.11602-5140C>T (NM_004543.5); short protein forms Q5425*.
Identifiers: ClinVar variation 423231 (VCV000423231.5), dbSNP rs1064796311, ClinGen allele CA16617243.